The following is an entry in ClinVar:

NM_177438.3(DICER1):c.2488del (p.Glu830fs)

Gene: DICER1 (dicer 1, ribonuclease III; minus strand). Cytogenetic location: 14q32.13.
Variant type: Deletion.
Coding change: c.2488del on transcript NM_177438.3 (MANE Select); coding-DNA position 2488, one base deleted (G; older notation c.2488delG).
Protein change: p.Glu830fs; shifts the reading frame from glutamic acid 830.
Molecular consequence: frameshift variant. On other transcripts: non-coding transcript variant (6).
Genome position (GRCh38, 1-based): chr14:95,108,042, C deleted on the plus strand (G on the coding strand, the reverse complement: DICER1 is on the minus strand). VCF-style (leftmost placement, unchanged base first): chr14-95108041-TC-T. GRCh37 (hg19) VCF-style: chr14-95574378-TC-T.
Other names: c.2488del, p.Glu830fs (NM_001195573.1, NM_001271282.3, NM_001291628.2 and 12 more transcripts); c.2488delG, p.Glu830Serfs (NM_001395681.1); c.2206del, p.Glu736fs (NM_001395686.1); c.2083del, p.Glu695fs (NM_001395687.1, NM_001395688.1, NM_001395689.1 and 2 more transcripts); c.1921del, p.Glu641fs (NM_001395691.1); c.805del, p.Glu269fs (NM_001395697.1); short protein forms E695fs, E269fs, E641fs, E736fs, E830fs.
Identifiers: ClinVar variation 2057974 (VCV002057974.4), dbSNP rs2542842847, ClinGen allele CA2580089080.
Genomic context (GRCh38, chr14:95,108,041, plus strand): 5'-TGAAGTCTTGTAATCAACTCAAGCATTTGTAGAGACAACATGAAACCAGACTTCTTCAAC[TC>T]AATGGATATGGTAACCTCTCCAGAGCGTGTGTACACAGGAAAGTGTGGAATCTTAGCAAA-3'

ClinVar aggregate classification (germline): Pathogenic (1 of 4 stars; one submission).

Conditions:
DICER1-related tumor predisposition. Also called: DICER1-related pleuropulmonary blastoma cancer predisposition syndrome; DICER1 syndrome. Identifiers: Orphanet 284343, MedGen C3839822, MONDO:0100216.

Submission:

Labcorp Genetics (formerly Invitae), Labcorp
Classification: Pathogenic for DICER1-related tumor predisposition. Last evaluated: 2024-12-02. Review status: criteria provided, single submitter. Criteria: Invitae Variant Classification Sherloc (09022015). Collection method: clinical testing. Allele origin: germline.
Comment: This sequence change creates a premature translational stop signal (p.Glu830Serfs*2) in the DICER1 gene. It is expected to result in an absent or disrupted protein product. Loss-of-function variants in DICER1 are known to be pathogenic (PMID: 19556464, 21266384). This variant is not present in population databases (gnomAD no frequency). This variant has not been reported in the literature in individuals affected with DICER1-related conditions. ClinVar contains an entry for this variant (Variation ID: 2057974). Algorithms developed to predict the effect of sequence changes on RNA splicing suggest that this variant may disrupt the consensus splice site. For these reasons, this variant has been classified as Pathogenic.

Literature cited by the submitters: PubMed 19556464; PubMed 21266384.